The following is an entry in ClinVar:

ClinVar aggregate classification (germline): Pathogenic. Review status: criteria provided, multiple submitters, no conflicts (2 of 4 stars). 2 submissions from 2 submitters: Pathogenic (2). Last evaluated 2022-05-12.

Conditions:
Hereditary cancer-predisposing syndrome. Also called: Tumor predisposition; Hereditary Cancer Syndrome; Hereditary neoplastic syndrome; Neoplastic Syndromes, Hereditary. Identifiers: Orphanet 140162, MedGen C0027672, MeSH D009386, MONDO:0015356.
Familial adenomatous polyposis 2. Also called: COLORECTAL ADENOMATOUS POLYPOSIS, AUTOSOMAL RECESSIVE; MUTYH Polyposis; MUTYH-associated polyposis; MUTYH-related attenuated familial adenomatous polyposis; Adenomas, multiple colorectal; ADENOMAS, MULTIPLE COLORECTAL, AUTOSOMAL RECESSIVE. Identifiers: Orphanet 220460, Orphanet 247798, MedGen C3272841, MONDO:0012041, OMIM 608456.

Submissions (2):

Labcorp Genetics (formerly Invitae), Labcorp
Classification: Pathogenic for Familial adenomatous polyposis 2. Last evaluated: 2022-05-12. Review status: criteria provided, single submitter. Criteria: Invitae Variant Classification Sherloc (09022015). Collection method: clinical testing. Allele origin: germline.
Comment: This sequence change creates a premature translational stop signal (p.Arg36Glyfs*22) in the MUTYH gene. It is expected to result in an absent or disrupted protein product. Loss-of-function variants in MUTYH are known to be pathogenic (PMID: 18534194, 20663686). This variant is not present in population databases (gnomAD no frequency). This variant has not been reported in the literature in individuals affected with MUTYH-related conditions. ClinVar contains an entry for this variant (Variation ID: 406847). For these reasons, this variant has been classified as Pathogenic.

Ambry Genetics
Classification: Pathogenic for Hereditary cancer-predisposing syndrome. Last evaluated: 2020-06-17. Review status: criteria provided, single submitter. Criteria: Ambry Variant Classification Scheme 2023. Collection method: clinical testing. Allele origin: germline.
Comment: The c.102delA pathogenic mutation, located in coding exon 2 of the MUTYH gene, results from a deletion of one nucleotide at nucleotide position 102, causing a translational frameshift with a predicted alternate stop codon (p.R36Gfs*22). This alteration is expected to result in loss of function by premature protein truncation or nonsense-mediated mRNA decay. As such, this alteration is interpreted as a disease-causing mutation.

Literature cited by the submitters: PubMed 18534194 (cited by Labcorp Genetics (formerly Invitae), Labcorp); PubMed 20663686 (cited by Labcorp Genetics (formerly Invitae), Labcorp).

NM_001048174.2(MUTYH):c.60del (p.Arg22fs)

Gene: MUTYH (mutY DNA glycosylase; minus strand). Cytogenetic location: 1p34.1.
Variant type: Deletion.
Coding change: c.60del on transcript NM_001048174.2 (MANE Select); coding-DNA position 60, one base deleted (A; older notation c.60delA).
Protein change: p.Arg22fs; shifts the reading frame from arginine 22.
Molecular consequence: frameshift variant. On other transcripts: 5 prime UTR variant (4), non-coding transcript variant (2).
Genome position (GRCh38, 1-based): chr1:45,334,446, T deleted on the plus strand (A on the coding strand, the reverse complement: MUTYH is on the minus strand); the first of 2 consecutive T bases (chr1:45,334,446-45,334,447); deleting either gives the same sequence. VCF-style (leftmost placement, unchanged base first): chr1-45334445-CT-C. GRCh37 (hg19) VCF-style: chr1-45800117-CT-C.
Other names: c.102delA (NM_001128425.1); c.60del, p.Arg22fs (NM_001048171.2, NM_001048172.2, NM_001048173.2 and 2 more transcripts); c.102del, p.Arg36fs (NM_001128425.2, NM_001293190.2, NM_012222.3); c.-153del (NM_001293192.2, NM_001293196.2); c.-212del (NM_001350650.2); c.-148del (NM_001350651.2); short protein forms R36fs, R22fs.
Identifiers: ClinVar variation 406847 (VCV000406847.9), dbSNP rs1060501336, ClinGen allele CA16610207.